The following is an entry in ClinVar:

NM_000384.3(APOB):c.10202T>C (p.Leu3401Pro)

Gene: APOB (apolipoprotein B; minus strand). Cytogenetic location: 2p24.1.
Variant type: single nucleotide variant.
Coding change: c.10202T>C on transcript NM_000384.3 (MANE Select); coding-DNA position 10202, T replaced by C.
Protein change: p.Leu3401Pro; replaces leucine 3401 with proline.
Molecular consequence: missense variant.
Genome position (GRCh38, 1-based): chr2:21,006,666, A>G on the plus strand (T>C on the coding strand, the complement: APOB is on the minus strand). VCF-style: chr2-21006666-A-G. GRCh37 (hg19) VCF-style: chr2-21229538-A-G.
Other names: short protein forms L3401P.
Identifiers: ClinVar variation 5027594 (VCV005027594.1).

ClinVar aggregate classification (germline): Uncertain significance (1 of 4 stars; one submission).

Conditions:
Cardiovascular phenotype. Identifiers: MedGen CN230736.

gnomAD v4.1: 6 of 1,614,096 alleles (0.00037%); highest among the groups gnomAD compares: Non-Finnish European, 0.00051%; no homozygotes.

Submission:

Ambry Genetics
Classification: Uncertain significance for Cardiovascular phenotype. Last evaluated: 2026-07-07. Review status: criteria provided, single submitter. Criteria: Ambry Variant Classification Scheme 2023. Collection method: clinical testing. Allele origin: germline.
Comment: The p.L3401P variant (also known as c.10202T>C), located in coding exon 26 of the APOB gene, results from a T to C substitution at nucleotide position 10202. The leucine at codon 3401 is replaced by proline, an amino acid with similar properties. This amino acid position is conserved. In addition, this alteration is predicted to be deleterious by in silico analysis. Based on the available evidence, the clinical significance of this variant remains unclear.